The following is an entry in ClinVar:

NM_015192.4(PLCB1):c.2657-4A>G

Gene: PLCB1 (phospholipase C beta 1; plus strand). Cytogenetic location: 20p12.3.
Variant type: single nucleotide variant.
Coding change: c.2657-4A>G on transcript NM_015192.4 (MANE Select); 4 bases into the intron before coding-DNA position 2657, A replaced by G.
Molecular consequence: intron variant.
Genome position (GRCh38, 1-based): chr20:8,760,403, A>G. VCF-style: chr20-8760403-A-G. GRCh37 (hg19) VCF-style: chr20-8741050-A-G.
Other names: c.2657-4A>G (NM_182734.3).
Identifiers: ClinVar variation 588465 (VCV000588465.16), dbSNP rs777637262, ClinGen allele CA9760348.
Genomic context (GRCh38, chr20:8,760,403, plus strand): 5'-GTTTACAGGAAGAATAAAATTTAAAAAGTTGAAGAGGCTATTTATTTTATCTTTTATATT[A>G]CAGGTTCTGTAAAGGCACCTGCCAAAACAGAAGATCTTATTCAGAGTGTCTTAACAGGTA-3'

ClinVar aggregate classification (germline): Conflicting classifications of pathogenicity. Review status: criteria provided, conflicting classifications (1 of 4 stars). 2 submissions from 2 submitters: Uncertain significance (1); Likely benign (1). Last evaluated 2024-05-15.

Conditions:
Inborn genetic diseases. Identifiers: MedGen C0950123, MeSH D030342.
Developmental and epileptic encephalopathy, 12 (DEE12). Identifiers: MedGen C3150988, MONDO:0013389, OMIM 613722.

Allele frequency attached by ClinVar (database versions not stated): gnomAD below 0.00001 and 0.00002; TOPMed 0.00001; ExAC 0.00004; gnomAD exomes 0.00004 and 0.00008.
gnomAD v4.1: 59 of 1,585,804 alleles (0.0037%); highest among the groups gnomAD compares: South Asian, 0.066%; no homozygotes.

Submissions (2):

Labcorp Genetics (formerly Invitae), Labcorp
Classification: Likely benign for Developmental and epileptic encephalopathy, 12. Last evaluated: 2024-05-15. Review status: criteria provided, single submitter. Criteria: Invitae Variant Classification Sherloc (09022015). Collection method: clinical testing. Allele origin: germline.

Ambry Genetics
Classification: Uncertain significance for Inborn genetic diseases. Last evaluated: 2016-11-18. Review status: criteria provided, single submitter. Criteria: Ambry Variant Classification Scheme 2023. Collection method: clinical testing. Allele origin: germline.
Comment: The c.2657-4A>G intronic variant results from an A to G substitution 4 nucleotides upstream from coding exon 25 in the PLCB1 gene. This variant was not reported in population based cohorts in the following databases: Database of Single Nucleotide Polymorphisms (dbSNP), NHLBI Exome Sequencing Project (ESP), and 1000 Genomes Project. In the ESP, this variant was not observed in 6502 samples (13004 alleles) with coverage at this position. This nucleotide position is not well conserved in available vertebrate species. Using the BDGP and ESEfinder splice site prediction tools, this alteration is not predicted to have any significant effect on this splice acceptor site; however, direct evidence is unavailable. Since supporting evidence is limited at this time, the clinical significance of this variant remains unclear.